The following is an entry in ClinVar:

ClinVar aggregate classification (germline): Uncertain significance. Review status: criteria provided, multiple submitters, no conflicts (2 of 4 stars). 2 submissions from 2 submitters: Uncertain significance (2). Last evaluated 2021-09-17.

Conditions:
Charcot-Marie-Tooth disease axonal type 2S. Also called: CHARCOT-MARIE-TOOTH NEUROPATHY, TYPE 2S; CHARCOT-MARIE-TOOTH DISEASE, AXONAL, AUTOSOMAL RECESSIVE, TYPE 2S. Identifiers: Orphanet 443073, MedGen C4015349, MONDO:0014511, OMIM 616155.
Autosomal recessive distal spinal muscular atrophy 1. Also called: HMN VI; NEURONOPATHY, SEVERE INFANTILE AXONAL, WITH RESPIRATORY FAILURE; NEURONOPATHY, DISTAL HEREDITARY MOTOR, HARDING TYPE VI; NEUROPATHY, DISTAL HEREDITARY MOTOR, AUTOSOMAL RECESSIVE 1; SEVERE INFANTILE AXONAL NEUROPATHY WITH RESPIRATORY FAILURE; SPINAL MUSCULAR ATROPHY, DIAPHRAGMATIC. Identifiers: Orphanet 98920, MedGen C1858517, MONDO:0011436, OMIM 604320.

Submissions (2):

Labcorp Genetics (formerly Invitae), Labcorp
Classification: Uncertain significance for Autosomal recessive distal spinal muscular atrophy 1; Charcot-Marie-Tooth disease axonal type 2S. Last evaluated: 2021-09-17. Review status: criteria provided, single submitter. Criteria: Invitae Variant Classification Sherloc (09022015). Collection method: clinical testing. Allele origin: germline.
Comment: In summary, the available evidence is currently insufficient to determine the role of this variant in disease. Therefore, it has been classified as a Variant of Uncertain Significance. Advanced modeling of protein sequence and biophysical properties (such as structural, functional, and spatial information, amino acid conservation, physicochemical variation, residue mobility, and thermodynamic stability) performed at Invitae indicates that this missense variant is not expected to disrupt IGHMBP2 protein function. ClinVar contains an entry for this variant (Variation ID: 566980). This missense change has been observed in individual(s) with clinical features of IGHMBP2-related conditions (Invitae). This variant is not present in population databases (ExAC no frequency). This sequence change replaces aspartic acid with alanine at codon 546 of the IGHMBP2 protein (p.Asp546Ala). The aspartic acid residue is moderately conserved and there is a moderate physicochemical difference between aspartic acid and alanine.

Illumina Laboratory Services, Illumina
Classification: Uncertain significance for Autosomal recessive distal spinal muscular atrophy 1. Last evaluated: 2020-01-13. Review status: criteria provided, single submitter. Criteria: ICSLVariantClassificationCriteria RUGD 01 April 2020. Collection method: clinical testing. Allele origin: unknown.
Comment: The IGHMBP2 c.1637A>C (p.Asp546Ala) missense variant has not, to our knowledge, been reported in the peer-reviewed literature. This variant is not observed in version 2.1.1 of the Genome Aggregation Database. This variant was identified in a homozygous state in two affected siblings. Based on the available evidence, the c.1637A>C (p.Asp546Ala) variant is classified as a variant of uncertain significance for neuronopathy, distal hereditary motor, autosomal recessive 1.

NM_002180.3(IGHMBP2):c.1637A>C (p.Asp546Ala)

Gene: IGHMBP2 (immunoglobulin mu DNA binding protein 2; plus strand). Cytogenetic location: 11q13.3.
Variant type: single nucleotide variant.
Coding change: c.1637A>C on transcript NM_002180.3 (MANE Select); coding-DNA position 1637, A replaced by C.
Protein change: p.Asp546Ala; replaces aspartic acid 546 with alanine.
Molecular consequence: missense variant.
Genome position (GRCh38, 1-based): chr11:68,935,303, A>C. VCF-style: chr11-68935303-A-C. GRCh37 (hg19) VCF-style: chr11-68702771-A-C.
Other names: short protein forms D546A.
Identifiers: ClinVar variation 566980 (VCV000566980.11), dbSNP rs1566445036, ClinGen allele CA381651008.
Genomic context (GRCh38, chr11:68,935,303, plus strand): 5'-GTCTTGCTGCGCTGGCATGGGTGGGTGAGGAAACCACAGCCCGGCTGGTGTTTCAGGTGG[A>C]CCTGCTCAGACAGAGCCTTGTGCACAGGCACCCTGAGCTTGAAATCAAGTCTGTCGATGG-3'
Protein context (NP_002171.2, residues 536-556): AVVSPYNLQV[Asp546Ala]LLRQSLVHRH